The following is an entry in ClinVar:

NM_000548.5(TSC2):c.3022G>T (p.Val1008Leu)

Gene: TSC2 (TSC complex subunit 2; plus strand). Cytogenetic location: 16p13.3.
Variant type: single nucleotide variant.
Coding change: c.3022G>T on transcript NM_000548.5 (MANE Select); coding-DNA position 3022, G replaced by T.
Protein change: p.Val1008Leu; replaces valine 1008 with leucine.
Molecular consequence: missense variant. On other transcripts: non-coding transcript variant (5).
Genome position (GRCh38, 1-based): chr16:2,079,087, G>T. VCF-style: chr16-2079087-G-T. GRCh37 (hg19) VCF-style: chr16-2129088-G-T.
Other names: c.2890G>T, p.Val964Leu (NM_001077183.3, NM_001370404.1, NM_001406665.1); c.3022G>T, p.Val1008Leu (NM_001114382.3); c.2782G>T, p.Val928Leu (NM_001318827.2); c.2746G>T, p.Val916Leu (NM_001318829.2); c.2290G>T, p.Val764Leu (NM_001318831.2, NM_001406687.1, NM_001406688.1); c.2923G>T, p.Val975Leu (NM_001318832.2); c.2893G>T, p.Val965Leu (NM_001363528.2, NM_001370405.1, NM_021055.3); c.3019G>T, p.Val1007Leu (NM_001406663.1, NM_001406664.1); and 18 more; short protein forms V560L, V928L, V945L, V959L, V964L, V1007L, V430L, V517L.
Identifiers: ClinVar variation 4556944 (VCV004556944.1).

ClinVar aggregate classification (germline): Uncertain significance (1 of 4 stars; one submission).

Conditions:
Hereditary cancer-predisposing syndrome. Also called: Tumor predisposition; Hereditary Cancer Syndrome; Hereditary neoplastic syndrome; Neoplastic Syndromes, Hereditary. Identifiers: Orphanet 140162, MedGen C0027672, MeSH D009386, MONDO:0015356.

Submission:

Ambry Genetics
Classification: Uncertain significance for Hereditary cancer-predisposing syndrome. Last evaluated: 2025-10-10. Review status: criteria provided, single submitter. Criteria: Ambry Variant Classification Scheme 2023. Collection method: clinical testing. Allele origin: germline.
Comment: The p.V1008L variant (also known as c.3022G>T), located in coding exon 26 of the TSC2 gene, results from a G to T substitution at nucleotide position 3022. The valine at codon 1008 is replaced by leucine, an amino acid with highly similar properties. This amino acid position is conserved. In addition, the in silico prediction for this alteration is inconclusive. Based on the available evidence, the clinical significance of this variant remains unclear.